The following is an entry in ClinVar:

ClinVar aggregate classification (germline): Pathogenic/Likely pathogenic. Review status: criteria provided, multiple submitters, no conflicts (2 of 4 stars). 8 submissions from 8 submitters: Pathogenic (7); Likely pathogenic (1). Last evaluated 2025-07-14.

Conditions:
Autosomal dominant polycystic kidney disease. Identifiers: Orphanet 730, MedGen C0085413, MONDO:0004691.
PKD2-related disorder. Also called: PKD2-related condition.
Polycystic kidney disease 2 (PKD2). Also called: Polycystic Kidney Disease 2, Autosomal Dominant; POLYCYSTIC KIDNEY DISEASE, ADULT, TYPE II; POLYCYSTIC KIDNEY DISEASE 2 WITH OR WITHOUT POLYCYSTIC LIVER DISEASE. Identifiers: MedGen C2751306, MONDO:0013131, OMIM 613095.

Submissions (8):

Institute of Human Genetics, University of Leipzig Medical Center
Classification: Pathogenic for Polycystic kidney disease 2. Last evaluated: 2025-07-14. Review status: criteria provided, single submitter. Criteria: ACMG Guidelines, 2015. Collection method: clinical testing. Allele origin: unknown. Inheritance: Autosomal dominant inheritance. Affected: yes.
Comment: Criteria applied: PVS1,PS4_MOD,PM2

Victorian Clinical Genetics Services, Murdoch Childrens Research Institute
Classification: Pathogenic for Polycystic kidney disease 2. Last evaluated: 2024-12-29. Review status: criteria provided, single submitter. Criteria: ACMG Guidelines, 2015. Collection method: clinical testing. Allele origin: germline. Affected: yes.
Comment: This variant is classified as Pathogenic. Evidence in support of pathogenic classification: Variant is predicted to cause nonsense-mediated decay (NMD) and loss of protein (premature termination codon is located at least 54 nucleotides upstream of the final exon-exon junction); Variant is absent from gnomAD (v2, v3 and v4); This variant has moderate previous evidence of pathogenicity in unrelated individuals. This variant has been classified as pathogenic by diagnostic laboratories in ClinVar, and is classified as pathogenic in the ADPKD database; Other NMD-predicted variants comparable to the one identified in this case have very strong previous evidence for pathogenicity. Many NMD-predicted variants have previously been reported as pathogenic in individuals with polycystic kidney disease (ClinVar). Additional information: This variant is heterozygous; This gene is associated with autosomal dominant disease; Loss of function is a known mechanism of disease in this gene and is associated with polycystic kidney disease 2 (MIM#613095); Inheritance information for this variant is not currently available in this individual.

Genetic Services Laboratory, University of Chicago
Classification: Likely pathogenic. Last evaluated: 2024-07-08. Review status: criteria provided, single submitter. Criteria: ACMG Guidelines, 2015. Collection method: clinical testing. Allele origin: germline. Affected: yes.
Comment: DNA sequence analysis of the PKD2 gene demonstrated a sequence change, c.640G>T, which results in the creation of a premature stop codon at amino acid position 214, p.Glu214*. This likely pathogenic sequence change is predicted to result in an abnormal transcript, which may be degraded, or may lead to the production of a truncated PKD2 protein with potentially abnormal function. This sequence change has not been described in population databases such as ExAC and gnomAD. This likely pathogenic sequence change has previously been described in a individual with a clinical diagnosis of polycystic kidney disease (PMID: 220085210). Collectively, this evidence indicates this sequence change is likely pathogenic, however, functional studies have not been performed to prove this conclusively.

Fulgent Genetics
Classification: Pathogenic for Polycystic kidney disease 2. Last evaluated: 2024-06-14. Review status: criteria provided, single submitter. Criteria: ACMG Guidelines, 2015. Collection method: clinical testing. Allele origin: germline.

GeneDx
Classification: Pathogenic. Last evaluated: 2023-10-22. Review status: criteria provided, single submitter. Criteria: GeneDx Variant Classification Process June 2021. Collection method: clinical testing. Allele origin: germline. Affected: yes.
Comment: Nonsense variant predicted to result in protein truncation or nonsense mediated decay in a gene for which loss-of-function is a known mechanism of disease; Not observed in large population cohorts (gnomAD); This variant is associated with the following publications: (PMID: 22008521)

Blueprint Genetics
Classification: Pathogenic for PKD2-related disorders. Last evaluated: 2022-10-28. Review status: criteria provided, single submitter. Criteria: ACMG Guidelines, 2015. Collection method: clinical testing. Allele origin: germline. Affected: yes. Observed: 4 variant alleles.

Department of Pathology and Laboratory Medicine, Sinai Health System
Classification: Pathogenic for Polycystic kidney disease 2. Last evaluated: 2022-09-16. Review status: criteria provided, single submitter. Criteria: ACMG Guidelines, 2015. Collection method: clinical testing. Allele origin: germline. Affected: yes.

Labcorp Genetics (formerly Invitae), Labcorp
Classification: Pathogenic for Autosomal dominant polycystic kidney disease. Last evaluated: 2021-11-30. Review status: criteria provided, single submitter. Criteria: Invitae Variant Classification Sherloc (09022015). Collection method: clinical testing. Allele origin: germline.
Comment: This sequence change creates a premature translational stop signal (p.Glu214*) in the PKD2 gene. It is expected to result in an absent or disrupted protein product. Loss-of-function variants in PKD2 are known to be pathogenic (PMID: 17582161, 22863349). For these reasons, this variant has been classified as Pathogenic. This premature translational stop signal has been observed in individual(s) with polycystic kidney disease (PMID: 22008521). This variant is not present in population databases (gnomAD no frequency).

Literature cited by the submitters: PubMed 17582161 (cited by Labcorp Genetics (formerly Invitae), Labcorp); PubMed 22863349 (cited by Labcorp Genetics (formerly Invitae), Labcorp); PubMed 22008521 (cited by Labcorp Genetics (formerly Invitae), Labcorp).

NM_000297.4(PKD2):c.640G>T (p.Glu214Ter)

Gene: PKD2 (polycystin 2, transient receptor potential cation channel; plus strand). Cytogenetic location: 4q22.1.
Variant type: single nucleotide variant.
Coding change: c.640G>T on transcript NM_000297.4 (MANE Select); coding-DNA position 640, G replaced by T.
Protein change: p.Glu214Ter; replaces glutamic acid 214 with a stop codon.
Molecular consequence: nonsense. On other transcripts: non-coding transcript variant (1).
Genome position (GRCh38, 1-based): chr4:88,019,502, G>T. VCF-style: chr4-88019502-G-T. GRCh37 (hg19) VCF-style: chr4-88940654-G-T.
Other names: c.640G>T (NM_000297.3); short protein forms E214*.
Identifiers: ClinVar variation 1458862 (VCV001458862.15), dbSNP rs2110089248, ClinGen allele CA357628347.